The following is an entry in ClinVar:

ClinVar aggregate classification (germline): Pathogenic (1 of 4 stars; one submission).

Submission:

Labcorp Genetics (formerly Invitae), Labcorp
Classification: Pathogenic. Last evaluated: 2023-05-13. Review status: criteria provided, single submitter. Criteria: Invitae Variant Classification Sherloc (09022015). Collection method: clinical testing. Allele origin: germline.
Comment: This sequence change creates a premature translational stop signal (p.Ala113Serfs*49) in the SLC26A3 gene. It is expected to result in an absent or disrupted protein product. Loss-of-function variants in SLC26A3 are known to be pathogenic (PMID: 9718329, 21394828). This variant is not present in population databases (gnomAD no frequency). This variant has not been reported in the literature in individuals affected with SLC26A3-related conditions. For these reasons, this variant has been classified as Pathogenic.

Literature cited by the submitters: PubMed 9718329; PubMed 21394828.

NM_000111.3(SLC26A3):c.332dup (p.Ala113fs)

Gene: SLC26A3 (solute carrier family 26 member 3; minus strand). Cytogenetic location: 7q22.3.
Variant type: Duplication.
Coding change: c.332dup on transcript NM_000111.3 (MANE Select); coding-DNA position 332, one base duplicated (T; older notation c.332dupT).
Protein change: p.Ala113fs; shifts the reading frame from alanine 113.
Molecular consequence: frameshift variant.
Genome position (GRCh38, 1-based): chr7:107,791,880, A duplicated on the plus strand (T on the coding strand, the reverse complement: SLC26A3 is on the minus strand); the first of 5 consecutive A bases (chr7:107,791,880-107,791,884); duplicating any one gives the same sequence. VCF-style (leftmost placement, unchanged base first): chr7-107791879-G-GA. GRCh37 (hg19) VCF-style: chr7-107432324-G-GA.
Other names: short protein forms A113fs.
Identifiers: ClinVar variation 2863865 (VCV002863865.3), dbSNP rs386833477, ClinGen allele CA2739278284.